The following is an entry in ClinVar:

ClinVar aggregate classification (germline): Uncertain significance. Review status: criteria provided, multiple submitters, no conflicts (2 of 4 stars). 2 submissions from 2 submitters: Uncertain significance (2). Last evaluated 2025-08-07.

Conditions:
Inborn genetic diseases. Identifiers: MedGen C0950123, MeSH D030342.
Baller-Gerold syndrome (BGS). Also called: CRANIOSYNOSTOSIS WITH RADIAL DEFECTS. Identifiers: Orphanet 1225, MedGen C0265308, MONDO:0009039, OMIM 218600.

Allele frequency attached by ClinVar (database versions not stated): gnomAD exomes below 0.00001; ExAC 0.00002.
gnomAD v4.1: 2 of 1,594,332 alleles (0.00013%); highest among the groups gnomAD compares: Admixed American, 0.0017%; no homozygotes.

Submissions (2):

Ambry Genetics
Classification: Uncertain significance for Inborn genetic diseases. Last evaluated: 2025-08-07. Review status: criteria provided, single submitter. Criteria: Ambry Variant Classification Scheme 2023. Collection method: clinical testing. Allele origin: germline.
Comment: The p.P905L variant (also known as c.2714C>T), located in coding exon 15 of the RECQL4 gene, results from a C to T substitution at nucleotide position 2714. The proline at codon 905 is replaced by leucine, an amino acid with similar properties. This amino acid position is conserved. In addition, the in silico prediction for this alteration is inconclusive. Based on the available evidence, the clinical significance of this variant remains unclear.

Labcorp Genetics (formerly Invitae), Labcorp
Classification: Uncertain significance for Baller-Gerold syndrome. Last evaluated: 2024-10-14. Review status: criteria provided, single submitter. Criteria: Invitae Variant Classification Sherloc (09022015). Collection method: clinical testing. Allele origin: germline.
Comment: This sequence change replaces proline, which is neutral and non-polar, with leucine, which is neutral and non-polar, at codon 905 of the RECQL4 protein (p.Pro905Leu). The frequency data for this variant in the population databases is considered unreliable, as metrics indicate poor data quality at this position in the gnomAD database. This variant has not been reported in the literature in individuals affected with RECQL4-related conditions. ClinVar contains an entry for this variant (Variation ID: 406989). Invitae Evidence Modeling of protein sequence and biophysical properties (such as structural, functional, and spatial information, amino acid conservation, physicochemical variation, residue mobility, and thermodynamic stability) indicates that this missense variant is not expected to disrupt RECQL4 protein function with a negative predictive value of 80%. In summary, the available evidence is currently insufficient to determine the role of this variant in disease. Therefore, it has been classified as a Variant of Uncertain Significance.

NM_004260.4(RECQL4):c.2714C>T (p.Pro905Leu)

Gene: RECQL4 (RecQ like helicase 4; minus strand). Cytogenetic location: 8q24.3.
Variant type: single nucleotide variant.
Coding change: c.2714C>T on transcript NM_004260.4 (MANE Select); coding-DNA position 2714, C replaced by T.
Protein change: p.Pro905Leu; replaces proline 905 with leucine.
Molecular consequence: missense variant.
Genome position (GRCh38, 1-based): chr8:144,512,888, G>A on the plus strand (C>T on the coding strand, the complement: RECQL4 is on the minus strand). VCF-style: chr8-144512888-G-A. GRCh37 (hg19) VCF-style: chr8-145738271-G-A.
Other names: short protein forms P905L.
Identifiers: ClinVar variation 406989 (VCV000406989.6), dbSNP rs768797926, ClinGen allele CA4948139.
Genomic context (GRCh38, chr8:144,512,888, plus strand): 5'-CTTACCCCAGGTTCCTCACCCTCCTCCGGCATGTCCAAAGCCTGTACGGTAAGCTGTATT[G>A]GGAGTGCCCGCTCATGGCCCATGCAGACCCTTCTGGGTCCTGGGGCTGCTTGGTGGCTAA-3'
Protein context (NP_004251.4, residues 895-915): RVCMGHERAL[Pro905Leu]IQLTVQALDM